The following is an entry in ClinVar:

NM_001042750.2(STAG2):c.874G>A (p.Val292Met)

Gene: STAG2 (STAG2 cohesin complex component; plus strand). Cytogenetic location: Xq25.
Variant type: single nucleotide variant.
Coding change: c.874G>A on transcript NM_001042750.2 (MANE Select); coding-DNA position 874, G replaced by A.
Protein change: p.Val292Met; replaces valine 292 with methionine.
Molecular consequence: missense variant.
Genome position (GRCh38, 1-based): chrX:124,049,059, G>A. VCF-style: chrX-124049059-G-A. GRCh37 (hg19) VCF-style: chrX-123182909-G-A.
Other names: c.874G>A, p.Val292Met (NM_001042749.2, NM_001042751.2, NM_001282418.2 and 13 more transcripts); short protein forms V292M.
Identifiers: ClinVar variation 1433672 (VCV001433672.8), dbSNP rs2148209436, ClinGen allele CA414275769.

ClinVar aggregate classification (germline): Uncertain significance (1 of 4 stars; one submission).

Submission:

Labcorp Genetics (formerly Invitae), Labcorp
Classification: Uncertain significance. Last evaluated: 2023-11-27. Review status: criteria provided, single submitter. Criteria: Invitae Variant Classification Sherloc (09022015). Collection method: clinical testing. Allele origin: germline.
Comment: This sequence change replaces valine, which is neutral and non-polar, with methionine, which is neutral and non-polar, at codon 292 of the STAG2 protein (p.Val292Met). This variant is not present in population databases (gnomAD no frequency). This variant has not been reported in the literature in individuals affected with STAG2-related conditions. ClinVar contains an entry for this variant (Variation ID: 1433672). Advanced modeling of protein sequence and biophysical properties (such as structural, functional, and spatial information, amino acid conservation, physicochemical variation, residue mobility, and thermodynamic stability) performed at Invitae indicates that this missense variant is not expected to disrupt STAG2 protein function with a negative predictive value of 80%. In summary, the available evidence is currently insufficient to determine the role of this variant in disease. Therefore, it has been classified as a Variant of Uncertain Significance.